The following is an entry in ClinVar:

ClinVar aggregate classification (germline): Uncertain significance (1 of 4 stars; one submission).

Allele frequency attached by ClinVar (database versions not stated): gnomAD 0.00001; gnomAD exomes 0.00001.
gnomAD v4.1: 17 of 1,613,760 alleles (0.0011%); highest among the groups gnomAD compares: South Asian, 0.0066%; no homozygotes.

Submission:

GeneDx
Classification: Uncertain significance. Last evaluated: 2022-09-02. Review status: criteria provided, single submitter. Criteria: GeneDx Variant Classification Process June 2021. Collection method: clinical testing. Allele origin: germline. Affected: yes.
Comment: In silico analysis supports that this missense variant does not alter protein structure/function; Has not been previously published as pathogenic or benign to our knowledge

NM_022552.5(DNMT3A):c.1165G>A (p.Asp389Asn)

Gene: DNMT3A (DNA methyltransferase 3 alpha; minus strand). Cytogenetic location: 2p23.3.
Variant type: single nucleotide variant.
Coding change: c.1165G>A on transcript NM_022552.5 (MANE Select); coding-DNA position 1165, G replaced by A.
Protein change: p.Asp389Asn; replaces aspartic acid 389 with asparagine.
Molecular consequence: missense variant. On other transcripts: non-coding transcript variant (1).
Genome position (GRCh38, 1-based): chr2:25,246,734, C>T on the plus strand (G>A on the coding strand, the complement: DNMT3A is on the minus strand). VCF-style: chr2-25246734-C-T. GRCh37 (hg19) VCF-style: chr2-25469603-C-T.
Other names: c.709G>A, p.Asp237Asn (NM_001320893.1); c.496G>A, p.Asp166Asn (NM_001375819.1); c.598G>A, p.Asp200Asn (NM_153759.3); c.1165G>A, p.Asp389Asn (NM_175629.2); short protein forms D166N, D200N, D237N, D389N.
Identifiers: ClinVar variation 2442402 (VCV002442402.1), dbSNP rs1470594184, ClinGen allele CA346073218.